The following is an entry in ClinVar:

NM_001323289.2(CDKL5):c.146-2A>G

Gene: CDKL5 (cyclin dependent kinase like 5; plus strand). Cytogenetic location: Xp22.13.
Variant type: single nucleotide variant.
Coding change: c.146-2A>G on transcript NM_001323289.2 (MANE Select); the canonical splice acceptor site of the intron before coding-DNA position 146, A replaced by G.
Molecular consequence: splice acceptor variant.
Genome position (GRCh38, 1-based): chrX:18,575,352, A>G. VCF-style: chrX-18575352-A-G. GRCh37 (hg19) VCF-style: chrX-18593472-A-G.
Other names: c.146-2A>G (NM_003159.3, NM_001037343.2).
Identifiers: ClinVar variation 2251348 (VCV002251348.2), dbSNP rs2147139522, ClinGen allele CA412348437.
Genomic context (GRCh38, chrX:18,575,352, plus strand): 5'-ATTCTTTGAATAGTAGCTTGAAAGTTTTCATTTTAGTCTCTTCACCATTGTTTACATTCT[A>G]GAAAATGAAGAAGTCAAAGAAACGACTTTACGAGAGCTTAAAATGCTTCGGACTCTCAAG-3'

ClinVar aggregate classification (germline): Uncertain significance (1 of 4 stars; one submission).

Conditions:
Inborn genetic diseases. Identifiers: MedGen C0950123, MeSH D030342.

Submission:

Ambry Genetics
Classification: Uncertain significance for Inborn genetic diseases. Last evaluated: 2021-10-08. Review status: criteria provided, single submitter. Criteria: Ambry Variant Classification Scheme 2023. Collection method: clinical testing. Allele origin: germline.
Comment: Transcript using cryptic splice site is predicted to be in-frame and is not expected to trigger nonsense-mediated mRNA decay Based on insufficient or conflicting evidence, the clinical significance of this alteration remains unclear.